The following is an entry in ClinVar:

NM_016239.4(MYO15A):c.6689A>G (p.Asn2230Ser)

Gene: MYO15A (myosin XVA; plus strand). Cytogenetic location: 17p11.2.
Variant type: single nucleotide variant.
Coding change: c.6689A>G on transcript NM_016239.4 (MANE Select); coding-DNA position 6689, A replaced by G.
Protein change: p.Asn2230Ser; replaces asparagine 2230 with serine.
Molecular consequence: missense variant.
Genome position (GRCh38, 1-based): chr17:18,148,208, A>G. VCF-style: chr17-18148208-A-G. GRCh37 (hg19) VCF-style: chr17-18051522-A-G.
Other names: short protein forms N2230S.
Identifiers: ClinVar variation 322157 (VCV000322157.9), dbSNP rs375163839, ClinGen allele CA8424652.
Genomic context (GRCh38, chr17:18,148,208, plus strand): 5'-AGCTCGAGTGGACAGCGACCTATGAGAAGGCCAGCATGGCGCTGGACGTGGGCTGCTTCA[A>G]TGGTAAGCTGCCTTCCCCCACCTCAGTGAGGGCAGTGGGAGTCAGCAGGGCCCAGTGAGC-3'
Protein context (NP_057323.3, residues 2220-2240): ASMALDVGCF[Asn2230Ser]GDQFSCPVHS

ClinVar aggregate classification (germline): Uncertain significance. Review status: criteria provided, multiple submitters, no conflicts (2 of 4 stars). 4 submissions from 4 submitters: Uncertain significance (3). 1 of the submissions does not count toward it. Last evaluated 2025-03-14.

Conditions:
Inborn genetic diseases. Identifiers: MedGen C0950123, MeSH D030342.
MYO15A-related disorder. Also called: MYO15A-related condition.
Autosomal recessive nonsyndromic hearing loss 3. Also called: NEUROSENSORY NONSYNDROMIC RECESSIVE DEAFNESS 3. Identifiers: Orphanet 90636, MedGen C1838263, MONDO:0010860, OMIM 600316.

Allele frequency attached by ClinVar (database versions not stated): TOPMed 0.00004; ExAC 0.00005; gnomAD exomes 0.00005 and 0.00006; gnomAD 0.00006 and 0.00007; ESP Exome Variant Server 0.00008.
gnomAD v4.1: 86 of 1,613,430 alleles (0.0053%); highest among the groups gnomAD compares: Middle Eastern, 0.066%; no homozygotes.

Submissions (4):

GeneDx
Classification: Uncertain significance. Last evaluated: 2025-03-14. Review status: criteria provided, single submitter. Criteria: GeneDx Variant Classification Process June 2021. Collection method: clinical testing. Allele origin: germline. Affected: yes.
Comment: In silico analysis indicates that this missense variant does not alter protein structure/function; Has not been previously published as pathogenic or benign to our knowledge

Ambry Genetics
Classification: Uncertain significance for Inborn genetic diseases. Last evaluated: 2024-10-08. Review status: criteria provided, single submitter. Criteria: Ambry Variant Classification Scheme 2023. Collection method: clinical testing. Allele origin: germline.

Illumina Laboratory Services, Illumina
Classification: Uncertain significance for Autosomal recessive nonsyndromic hearing loss 3. Last evaluated: 2018-01-12. Review status: criteria provided, single submitter. Criteria: ICSL Variant Classification Criteria 13 December 2019. Collection method: clinical testing. Allele origin: germline.

PreventionGenetics, part of Exact Sciences
Classification: Uncertain significance for MYO15A-related condition. Last evaluated: 2024-03-12. Review status: no assertion criteria provided. Collection method: clinical testing. Allele origin: germline. Not counted in ClinVar's aggregate classification.
Comment: The MYO15A c.6689A>G variant is predicted to result in the amino acid substitution p.Asn2230Ser. To our knowledge, this variant has not been reported in the literature. This variant is reported in 0.048% of alleles in individuals of Ashkenazi Jewish descent in gnomAD. At this time, the clinical significance of this variant is uncertain due to the absence of conclusive functional and genetic evidence.